The following is an entry in ClinVar:

ClinVar aggregate classification (germline): Uncertain significance (1 of 4 stars; one submission).

Allele frequency attached by ClinVar (database versions not stated): gnomAD 0.00001; TOPMed 0.00001.
gnomAD v4.1: 3 of 1,613,684 alleles (0.00019%); highest among the groups gnomAD compares: Non-Finnish European, 0.00025%; no homozygotes.

Submission:

Labcorp Genetics (formerly Invitae), Labcorp
Classification: Uncertain significance. Last evaluated: 2022-03-29. Review status: criteria provided, single submitter. Criteria: Invitae Variant Classification Sherloc (09022015). Collection method: clinical testing. Allele origin: germline.
Comment: In summary, the available evidence is currently insufficient to determine the role of this variant in disease. Therefore, it has been classified as a Variant of Uncertain Significance. Algorithms developed to predict the effect of missense changes on protein structure and function (SIFT, PolyPhen-2, Align-GVGD) all suggest that this variant is likely to be tolerated. This variant has not been reported in the literature in individuals affected with RUSC2-related conditions. This variant is present in population databases (no rsID available, gnomAD 0.002%). This sequence change replaces threonine, which is neutral and polar, with isoleucine, which is neutral and non-polar, at codon 1247 of the RUSC2 protein (p.Thr1247Ile).

NM_014806.5(RUSC2):c.3740C>T (p.Thr1247Ile)

Gene: RUSC2 (RUN and SH3 domain containing 2; plus strand). Cytogenetic location: 9p13.3.
Variant type: single nucleotide variant.
Coding change: c.3740C>T on transcript NM_014806.5 (MANE Select); coding-DNA position 3740, C replaced by T.
Protein change: p.Thr1247Ile; replaces threonine 1247 with isoleucine.
Molecular consequence: missense variant. On other transcripts: non-coding transcript variant (1).
Genome position (GRCh38, 1-based): chr9:35,560,380, C>T. VCF-style: chr9-35560380-C-T. GRCh37 (hg19) VCF-style: chr9-35560377-C-T.
Other names: c.3740C>T, p.Thr1247Ile (NM_001135999.2); c.1106C>T, p.Thr369Ile (NM_001330740.2); short protein forms T1247I, T369I.
Identifiers: ClinVar variation 1980216 (VCV001980216.4), dbSNP rs1021819739, ClinGen allele CA373354616.
Genomic context (GRCh38, chr9:35,560,380, plus strand): 5'-AGCGGGTGAAGGGTGTGGGTGCCTCAGAAGGTGGAGAAGAGGAAGAGGAAGAAGAGGAGA[C>T]AGAAGAGGTGGCAGAGGCAGCCGGGGGCTCAGGGCGTGCCAGGTGGGCCCGAGGTGGGCA-3'
Protein context (NP_055621.2, residues 1237-1257): GGEEEEEEEE[Thr1247Ile]EEVAEAAGGS